The following is an entry in ClinVar:

NM_001134363.3(RBM20):c.3264C>T (p.Pro1088=)

Gene: RBM20 (RNA binding motif protein 20; plus strand). Cytogenetic location: 10q25.2.
Variant type: single nucleotide variant.
Coding change: c.3264C>T on transcript NM_001134363.3 (MANE Select); coding-DNA position 3264, C replaced by T.
Protein change: p.Pro1088=; no amino-acid change (proline 1088 retained).
Molecular consequence: synonymous variant.
Genome position (GRCh38, 1-based): chr10:110,821,883, C>T. VCF-style: chr10-110821883-C-T. GRCh37 (hg19) VCF-style: chr10-112581641-C-T.
Identifiers: ClinVar variation 1329093 (VCV001329093.11), dbSNP rs1844918076, ClinGen allele CA471507686.

ClinVar aggregate classification (germline): Likely benign. Review status: criteria provided, multiple submitters, no conflicts (2 of 4 stars). 4 submissions from 4 submitters: Likely benign (4). Last evaluated 2025-09-13.

Conditions:
Cardiovascular phenotype. Identifiers: MedGen CN230736.
Dilated cardiomyopathy 1DD (CMD1DD). Identifiers: Orphanet 154, MedGen C2750995, MONDO:0013168, OMIM 613172.
Cardiomyopathy (CMYO). Also called: Cardiomyopathies. Identifiers: Orphanet 167848, MedGen C0878544, MONDO:0004994, HP:0001638. Inheritance: Various modes of inheritance.

Allele frequency attached by ClinVar (database versions not stated): gnomAD exomes 0.00001; TOPMed 0.00001.
gnomAD v4.1: 8 of 1,551,752 alleles (0.00052%); highest among the groups gnomAD compares: Non-Finnish European, 0.0007%; no homozygotes.

Submissions (4):

Labcorp Genetics (formerly Invitae), Labcorp
Classification: Likely benign for Dilated cardiomyopathy 1DD. Last evaluated: 2025-09-13. Review status: criteria provided, single submitter. Criteria: Invitae Variant Classification Sherloc (09022015). Collection method: clinical testing. Allele origin: germline.

Ambry Genetics
Classification: Likely benign for Cardiovascular phenotype. Last evaluated: 2023-12-03. Review status: criteria provided, single submitter. Criteria: Ambry Variant Classification Scheme 2023. Collection method: clinical testing. Allele origin: germline.

Phosphorus, Inc.
Classification: Likely benign. Last evaluated: 2022-01-19. Review status: criteria provided, single submitter. Criteria: ACMG Guidelines, 2015. Collection method: clinical testing. Allele origin: germline. Inheritance: Autosomal dominant inheritance.
Comment: This synonymous variant has an entry in ClinVar (1329093) NM_001134363.3 (RBM20): c.3264C>T (p.Pro1088=) and has not occurred in population databases. This position is not conserved. In silico splicing algorithm was unavailable, however it is not predicted to impact splicing due to its distance from the splice site. No functional studies were performed to confirm this prediction. The variant has not occurred in literature associated with disease. Considering the above evidence, this variant has been classified as Likely Benign.

CHEO Genetics Diagnostic Laboratory, Children's Hospital of Eastern Ontario
Classification: Likely benign for Cardiomyopathy. Last evaluated: 2020-09-11. Review status: criteria provided, single submitter. Criteria: ACMG Guidelines, 2015. Collection method: clinical testing. Allele origin: germline.